The following is an entry in ClinVar:

NM_021020.5(LZTS1):c.426G>C (p.Pro142=)

Gene: LZTS1 (leucine zipper tumor suppressor 1; minus strand). Cytogenetic location: 8p21.3.
Variant type: single nucleotide variant.
Coding change: c.426G>C on transcript NM_021020.5 (MANE Select); coding-DNA position 426, G replaced by C.
Protein change: p.Pro142=; no amino-acid change (proline 142 retained).
Molecular consequence: synonymous variant.
Genome position (GRCh38, 1-based): chr8:20,253,505, C>G on the plus strand (G>C on the coding strand, the complement: LZTS1 is on the minus strand). VCF-style: chr8-20253505-C-G. GRCh37 (hg19) VCF-style: chr8-20111016-C-G.
Other names: c.426G>C, p.Pro142= (NM_001362884.2); c.426G>C (NM_021020.3).
Identifiers: ClinVar variation 1588990 (VCV001588990.9), dbSNP rs141146887, ClinGen allele CA4657520.

ClinVar aggregate classification (germline): Benign/Likely benign. Review status: criteria provided, multiple submitters, no conflicts (2 of 4 stars). 2 submissions from 2 submitters: Benign (1); Likely benign (1). Last evaluated 2026-01-19.

Conditions:
LZTS1-related disorder. Also called: LZTS1-related condition.

Allele frequency attached by ClinVar (database versions not stated): ESP Exome Variant Server 0.00085; gnomAD 0.00155; 1000 Genomes Project 30x 0.00156; 1000 Genomes Project 0.00200.
gnomAD v4.1: 484 of 1,576,346 alleles (0.031%); highest among the groups gnomAD compares: African/African-American, 0.55%; 1 homozygote.

Submissions (2):

Labcorp Genetics (formerly Invitae), Labcorp
Classification: Benign. Last evaluated: 2026-01-19. Review status: criteria provided, single submitter. Criteria: Invitae Variant Classification Sherloc (09022015). Collection method: clinical testing. Allele origin: germline.

PreventionGenetics, part of Exact Sciences
Classification: Likely benign for LZTS1-related condition. Last evaluated: 2025-07-29. Review status: criteria provided, single submitter. Criteria: ACMG Guidelines, 2015. Collection method: clinical testing. Allele origin: germline.
Comment: This variant is classified as likely benign based on ACMG/AMP sequence variant interpretation guidelines (Richards et al. 2015 PMID: 25741868, with internal and published modifications).